The following is an entry in ClinVar:

ClinVar aggregate classification (germline): Likely pathogenic (1 of 4 stars; one submission).

Conditions:
Charcot-Marie-Tooth disease dominant intermediate D. Also called: CHARCOT-MARIE-TOOTH NEUROPATHY, DOMINANT INTERMEDIATE D; Charcot-Marie-Tooth disease dominant intermediate 3; CMT DI3. Identifiers: Orphanet 100046, MedGen C1843075, MONDO:0011909, OMIM 607791.

Submission:

Laboratory of Functional Genomics, Research Centre for Medical Genetics
Classification: Likely pathogenic for Charcot-Marie-Tooth disease dominant intermediate D. Last evaluated: 2023-04-18. Review status: criteria provided, single submitter. Criteria: ACMG Guidelines, 2015. Collection method: clinical testing, in vivo. Allele origin: inherited, unknown, not applicable. Inheritance: Autosomal dominant inheritance. Affected: yes. Observed: 2 heterozygotes. Functional consequence: effect on RNA splicing.
Comment: Synonymous c.279G>T variant in the MPZ gene could be classified as likely pathogenic according to ACMG criteria (PM2, PS3). It is absent from large population studies and databases. We analyzed the c.279G>T variant using targeted NGS sequencing of RT-PCR products containing exons 2-5 of the MPZ gene. The c.279G>T variant leads to enhancement of the cryptic donor site at position c.274 and truncation of exon 3 by 175 nucleotides. As a result, this causes a frameshift and the formation of a premature stop codon (p.Val92CysfsTer12). An increased amount of the mutant isoform leads to a significant reduction in the wild-type product, which may cause disease development through a haploinsufficiency mechanism.

NM_000530.8(MPZ):c.279G>T (p.Gly93=)

Gene: MPZ (myelin protein zero; minus strand). Cytogenetic location: 1q23.3.
Variant type: single nucleotide variant.
Coding change: c.279G>T on transcript NM_000530.8 (MANE Select); coding-DNA position 279, G replaced by T.
Protein change: p.Gly93=; no amino-acid change (glycine 93 retained).
Molecular consequence: synonymous variant.
Genome position (GRCh38, 1-based): chr1:161,306,877, C>A on the plus strand (G>T on the coding strand, the complement: MPZ is on the minus strand). VCF-style: chr1-161306877-C-A. GRCh37 (hg19) VCF-style: chr1-161276667-C-A.
Other names: c.279G>T, p.Gly93= (NM_001315491.2).
Identifiers: ClinVar variation 3256110 (VCV003256110.3).
Genomic context (GRCh38, chr1:161,306,877, plus strand): 5'-GACAATGGAGCCATCCTTCCAGCGAGGGTCCCCTACCCACTGGATGCGCTCTTTGAAGGT[C>A]CCCACCTCGTCAATGTAGGGTTGTCCCTTGGCATAGTGGAAGATCTATGAGGAATGAGGG-3'
Protein context (NP_000521.2, residues 83-103): AKGQPYIDEV[Gly93=]TFKERIQWVG